The following is an entry in ClinVar:

ClinVar aggregate classification (germline): Uncertain significance (1 of 4 stars; one submission).

Conditions:
Muscular dystrophy-dystroglycanopathy type B6 (MDDGB6). Also called: MUSCULAR DYSTROPHY, CONGENITAL, LARGE-RELATED; MUSCULAR DYSTROPHY, CONGENITAL, TYPE 1D; MUSCULAR DYSTROPHY-DYSTROGLYCANOPATHY (CONGENITAL WITH IMPAIRED INTELLECTUAL DEVELOPMENT), TYPE B, 6. Identifiers: MedGen C1837229, MONDO:0012138, OMIM 608840.

Submission:

Labcorp Genetics (formerly Invitae), Labcorp
Classification: Uncertain significance for Muscular dystrophy-dystroglycanopathy type B6. Last evaluated: 2021-05-30. Review status: criteria provided, single submitter. Criteria: Invitae Variant Classification Sherloc (09022015). Collection method: clinical testing. Allele origin: germline.
Comment: In summary, the available evidence is currently insufficient to determine the role of this variant in disease. Therefore, it has been classified as a Variant of Uncertain Significance. Algorithms developed to predict the effect of missense changes on protein structure and function are either unavailable or do not agree on the potential impact of this missense change (SIFT: "Tolerated"; PolyPhen-2: "Probably Damaging"; Align-GVGD: "Class C0"). This variant has not been reported in the literature in individuals with LARGE1-related conditions. This variant is not present in population databases (ExAC no frequency). This sequence change replaces phenylalanine with isoleucine at codon 198 of the LARGE1 protein (p.Phe198Ile). The phenylalanine residue is highly conserved and there is a small physicochemical difference between phenylalanine and isoleucine.

NM_133642.5(LARGE1):c.592T>A (p.Phe198Ile)

Gene: LARGE1 (LARGE xylosyl- and glucuronyltransferase 1; minus strand). Cytogenetic location: 22q12.3.
Variant type: single nucleotide variant.
Coding change: c.592T>A on transcript NM_133642.5 (MANE Select); coding-DNA position 592, T replaced by A.
Protein change: p.Phe198Ile; replaces phenylalanine 198 with isoleucine.
Molecular consequence: missense variant.
Genome position (GRCh38, 1-based): chr22:33,604,458, A>T on the plus strand (T>A on the coding strand, the complement: LARGE1 is on the minus strand). VCF-style: chr22-33604458-A-T. GRCh37 (hg19) VCF-style: chr22-34000444-A-T.
Other names: c.592T>A, p.Phe198Ile (NM_001362949.2, NM_001362951.2, NM_001362953.2 and 7 more transcripts); short protein forms F198I.
Identifiers: ClinVar variation 1357301 (VCV001357301.8), dbSNP rs2148978976, ClinGen allele CA411546679.